The following is an entry in ClinVar:

NM_001032386.2(SUOX):c.1306G>A (p.Glu436Lys)

Gene: SUOX (sulfite oxidase; plus strand). Cytogenetic location: 12q13.2.
Variant type: single nucleotide variant.
Coding change: c.1306G>A on transcript NM_001032386.2 (MANE Select); coding-DNA position 1306, G replaced by A.
Protein change: p.Glu436Lys; replaces glutamic acid 436 with lysine.
Molecular consequence: missense variant.
Genome position (GRCh38, 1-based): chr12:56,004,695, G>A. VCF-style: chr12-56004695-G-A. GRCh37 (hg19) VCF-style: chr12-56398479-G-A.
Other names: c.1306G>A, p.Glu436Lys (NM_000456.3, NM_001032387.2); short protein forms E436K.
Identifiers: ClinVar variation 377160 (VCV000377160.8), dbSNP rs142424431, ClinGen allele CA6621149.
Genomic context (GRCh38, chr12:56,004,695, plus strand): 5'-TCTGCTCCATCCATTCAGGAACTTCCTGTCCAGTCGGCCATCACAGAGCCCCGGGATGGA[G>A]AGACTGTAGAATCAGGGGAGGTGACCATCAAGGGCTATGCATGGAGTGGTGGTGGCAGGG-3'
Protein context (NP_001027558.1, residues 426-446): QSAITEPRDG[Glu436Lys]TVESGEVTIK

ClinVar aggregate classification (germline): Uncertain significance. Review status: criteria provided, multiple submitters, no conflicts (2 of 4 stars). 2 submissions from 2 submitters: Uncertain significance (2). Last evaluated 2022-08-23.

Conditions:
Sulfite oxidase deficiency. Also called: Isolated sulfite oxidase deficiency. Identifiers: Orphanet 833, Orphanet 99731, MedGen C0268624, MONDO:0010089, OMIM 272300, HP:0003643.

Allele frequency attached by ClinVar (database versions not stated): gnomAD 0.00007; TOPMed 0.00010; ExAC 0.00012; gnomAD exomes 0.00012 and 0.00014; ESP Exome Variant Server 0.00038.
gnomAD v4.1: 219 of 1,614,076 alleles (0.014%); highest among the groups gnomAD compares: Non-Finnish European, 0.017%; no homozygotes.

Submissions (2):

Labcorp Genetics (formerly Invitae), Labcorp
Classification: Uncertain significance for Sulfite oxidase deficiency. Last evaluated: 2022-08-23. Review status: criteria provided, single submitter. Criteria: Invitae Variant Classification Sherloc (09022015). Collection method: clinical testing. Allele origin: germline.
Comment: This sequence change replaces glutamic acid, which is acidic and polar, with lysine, which is basic and polar, at codon 436 of the SUOX protein (p.Glu436Lys). This variant is present in population databases (rs142424431, gnomAD 0.02%). This variant has not been reported in the literature in individuals affected with SUOX-related conditions. ClinVar contains an entry for this variant (Variation ID: 377160). Algorithms developed to predict the effect of missense changes on protein structure and function (SIFT, PolyPhen-2, Align-GVGD) all suggest that this variant is likely to be tolerated. In summary, the available evidence is currently insufficient to determine the role of this variant in disease. Therefore, it has been classified as a Variant of Uncertain Significance.

Center for Pediatric Genomic Medicine, Children's Mercy Hospital and Clinics
Classification: Uncertain significance. Last evaluated: 2016-12-29. Review status: criteria provided, single submitter. Criteria: ACMG Guidelines, 2015. Collection method: clinical testing. Allele origin: germline.
ClinVar note: Converted during submission from Uncertain Significance to Uncertain significance.